The following is an entry in ClinVar:

NM_001271.4(CHD2):c.2123C>T (p.Ser708Phe)

Gene: CHD2 (chromodomain helicase DNA binding protein 2; plus strand). Cytogenetic location: 15q26.1.
Variant type: single nucleotide variant.
Coding change: c.2123C>T on transcript NM_001271.4 (MANE Select); coding-DNA position 2123, C replaced by T.
Protein change: p.Ser708Phe; replaces serine 708 with phenylalanine.
Molecular consequence: missense variant.
Genome position (GRCh38, 1-based): chr15:92,967,447, C>T. VCF-style: chr15-92967447-C-T. GRCh37 (hg19) VCF-style: chr15-93510677-C-T.
Other names: short protein forms S708F.
Identifiers: ClinVar variation 4795605 (VCV004795605.1).
Genomic context (GRCh38, chr15:92,967,447, plus strand): 5'-GTCTTCATAAGGTGCTAGAGCCTTTCCTTCTCCGGAGAGTCAAAAAAGATGTGGAGAAAT[C>T]CCTTCCTGCTAAAGTGGAACAGATTCTCAGGGTGGAGATGTCAGCCCTTCAGAAACAGTA-3'
Protein context (NP_001262.3, residues 698-718): LRRVKKDVEK[Ser708Phe]LPAKVEQILR

ClinVar aggregate classification (germline): Uncertain significance (1 of 4 stars; one submission).

Submission:

GeneDx
Classification: Uncertain significance. Last evaluated: 2025-08-11. Review status: criteria provided, single submitter. Criteria: GeneDx Variant Classification Process June 2021. Collection method: clinical testing. Allele origin: germline. Affected: yes.
Comment: Not observed at significant frequency in large population cohorts (gnomAD); In silico analysis supports that this missense variant has a deleterious effect on protein structure/function; Has not been previously published as pathogenic or benign to our knowledge